The following is an entry in ClinVar:

NM_025114.4(CEP290):c.7174C>T (p.Leu2392Phe)

Gene: CEP290 (centrosomal protein 290; minus strand). Cytogenetic location: 12q21.32.
Variant type: single nucleotide variant.
Coding change: c.7174C>T on transcript NM_025114.4 (MANE Select); coding-DNA position 7174, C replaced by T.
Protein change: p.Leu2392Phe; replaces leucine 2392 with phenylalanine.
Molecular consequence: missense variant.
Genome position (GRCh38, 1-based): chr12:88,050,389, G>A on the plus strand (C>T on the coding strand, the complement: CEP290 is on the minus strand). VCF-style: chr12-88050389-G-A. GRCh37 (hg19) VCF-style: chr12-88444166-G-A.
Other names: c.7174C>T (NM_025114.3); short protein forms L2392F.
Identifiers: ClinVar variation 2923135 (VCV002923135.4), dbSNP rs1344978851, ClinGen allele CA385973705.

ClinVar aggregate classification (germline): Uncertain significance. Review status: criteria provided, multiple submitters, no conflicts (2 of 4 stars). 2 submissions from 2 submitters: Uncertain significance (2). Last evaluated 2024-10-07.

Conditions:
Joubert syndrome. Also called: CEREBELLOPARENCHYMAL DISORDER IV; JOUBERT-BOLTSHAUSER SYNDROME; Familial aplasia of the vermis. Identifiers: Orphanet 475, MedGen C5979921, MONDO:0018772.
Nephronophthisis. Also called: Juvenile Nephronophthisis. Identifiers: Orphanet 655, MedGen C0687120, MONDO:0019005, HP:0000090.
Meckel-Gruber syndrome. Also called: DYSENCEPHALIA SPLANCHNOCYSTICA; GRUBER SYNDROME; Dysencephalia splachnocystica. Identifiers: Orphanet 564, MedGen C0265215, MONDO:0018921.
Inborn genetic diseases. Identifiers: MedGen C0950123, MeSH D030342.

Allele frequency attached by ClinVar (database versions not stated): gnomAD exomes below 0.00001; gnomAD 0.00001.
gnomAD v4.1: 4 of 1,561,892 alleles (0.00026%); highest among the groups gnomAD compares: Non-Finnish European, 0.00035%; no homozygotes.

Submissions (2):

Labcorp Genetics (formerly Invitae), Labcorp
Classification: Uncertain significance for Joubert syndrome; Meckel-Gruber syndrome; Nephronophthisis. Last evaluated: 2024-10-07. Review status: criteria provided, single submitter. Criteria: Invitae Variant Classification Sherloc (09022015). Collection method: clinical testing. Allele origin: germline.
Comment: This sequence change replaces leucine, which is neutral and non-polar, with phenylalanine, which is neutral and non-polar, at codon 2392 of the CEP290 protein (p.Leu2392Phe). This variant is present in population databases (no rsID available, gnomAD 0.007%). This variant has not been reported in the literature in individuals affected with CEP290-related conditions. An algorithm developed to predict the effect of missense changes on protein structure and function (PolyPhen-2) suggests that this variant is likely to be disruptive. In summary, the available evidence is currently insufficient to determine the role of this variant in disease. Therefore, it has been classified as a Variant of Uncertain Significance.

Ambry Genetics
Classification: Uncertain significance for Inborn genetic diseases. Last evaluated: 2024-08-04. Review status: criteria provided, single submitter. Criteria: Ambry Variant Classification Scheme 2023. Collection method: clinical testing. Allele origin: germline.